The following is an entry in ClinVar:

NC_000002.11:g.(?_135907919)_(135926351_?)del

Gene: RAB3GAP1 (RAB3 GTPase activating protein catalytic subunit 1; plus strand). Cytogenetic location: 2q21.3.
Variant type: Deletion.
Identifiers: ClinVar variation 3247544 (VCV003247544.1).

ClinVar aggregate classification (germline): Uncertain significance (1 of 4 stars; one submission).

Submission:

Labcorp Genetics (formerly Invitae), Labcorp
Classification: Uncertain significance. Last evaluated: 2024-01-13. Review status: criteria provided, single submitter. Criteria: Invitae Variant Classification Sherloc (09022015). Collection method: clinical testing. Allele origin: unknown.
Comment: This variant is a gross deletion of the genomic region encompassing exon(s) 18-24 of the RAB3GAP1 gene, which includes the termination codon. This deletion extends beyond the assayed region for this gene and therefore may encompass additional genes. While this deletion is not anticipated to lead to nonsense mediated decay, it is expected to alter mRNA translation or result in a truncated protein product. This variant has not been reported in the literature in individuals affected with RAB3GAP1-related conditions. This variant disrupts a region of the RAB3GAP1 protein in which other variant(s) (p.Ser803Leu) have been observed in individuals with RAB3GAP1-related conditions (Invitae). This suggests that this is a clinically significant region of the protein, and that variants that disrupt it are likely to be disease-causing. In summary, the available evidence is currently insufficient to determine the role of this variant in disease. Therefore, it has been classified as a Variant of Uncertain Significance.